The following is an entry in ClinVar:

NM_007055.4(POLR3A):c.4016C>G (p.Ser1339Cys)

Gene: POLR3A (RNA polymerase III subunit A; minus strand). Cytogenetic location: 10q22.3.
Variant type: single nucleotide variant.
Coding change: c.4016C>G on transcript NM_007055.4 (MANE Select); coding-DNA position 4016, C replaced by G.
Protein change: p.Ser1339Cys; replaces serine 1339 with cysteine.
Molecular consequence: missense variant.
Genome position (GRCh38, 1-based): chr10:77,980,149, G>C on the plus strand (C>G on the coding strand, the complement: POLR3A is on the minus strand). VCF-style: chr10-77980149-G-C. GRCh37 (hg19) VCF-style: chr10-79739907-G-C.
Other names: short protein forms S1339C.
Identifiers: ClinVar variation 2155369 (VCV002155369.2), dbSNP rs746622568, ClinGen allele CA5570630.

ClinVar aggregate classification (germline): Uncertain significance (1 of 4 stars; one submission).

Allele frequency attached by ClinVar (database versions not stated): gnomAD 0.00001; gnomAD exomes 0.00001; TOPMed 0.00001; ExAC 0.00002.
gnomAD v4.1: 21 of 1,613,818 alleles (0.0013%); highest among the groups gnomAD compares: Middle Eastern, 0.016%; no homozygotes.

Submission:

Labcorp Genetics (formerly Invitae), Labcorp
Classification: Uncertain significance. Last evaluated: 2022-05-13. Review status: criteria provided, single submitter. Criteria: Invitae Variant Classification Sherloc (09022015). Collection method: clinical testing. Allele origin: germline.
Comment: This sequence change replaces serine, which is neutral and polar, with cysteine, which is neutral and slightly polar, at codon 1339 of the POLR3A protein (p.Ser1339Cys). This variant is present in population databases (rs746622568, gnomAD 0.01%). This variant has not been reported in the literature in individuals affected with POLR3A-related conditions. Algorithms developed to predict the effect of missense changes on protein structure and function are either unavailable or do not agree on the potential impact of this missense change (SIFT: "Tolerated"; PolyPhen-2: "Possibly Damaging"; Align-GVGD: "Class C0"). Algorithms developed to predict the effect of sequence changes on RNA splicing suggest that this variant may create or strengthen a splice site. In summary, the available evidence is currently insufficient to determine the role of this variant in disease. Therefore, it has been classified as a Variant of Uncertain Significance.